The following is an entry in ClinVar:

NM_000465.4(BARD1):c.1998G>C (p.Gln666His)

Gene: BARD1 (BRCA1 associated RING domain 1; minus strand). Cytogenetic location: 2q35.
Variant type: single nucleotide variant.
Coding change: c.1998G>C on transcript NM_000465.4 (MANE Select); coding-DNA position 1998, G replaced by C.
Protein change: p.Gln666His; replaces glutamine 666 with histidine.
Molecular consequence: missense variant. On other transcripts: non-coding transcript variant (3).
Genome position (GRCh38, 1-based): chr2:214,730,414, C>G on the plus strand (G>C on the coding strand, the complement: BARD1 is on the minus strand). VCF-style: chr2-214730414-C-G. GRCh37 (hg19) VCF-style: chr2-215595138-C-G.
Other names: c.1941G>C, p.Gln647His (NM_001282543.2); c.645G>C, p.Gln215His (NM_001282545.2); c.588G>C, p.Gln196His (NM_001282548.2); c.459G>C, p.Gln153His (NM_001282549.2); short protein forms Q153H, Q196H, Q215H, Q647H, Q666H.
Identifiers: ClinVar variation 1317362 (VCV001317362.6), dbSNP rs2105990386, ClinGen allele CA350451089.
Genomic context (GRCh38, chr2:214,730,414, plus strand): 5'-TGATAATAATAGTATGTCATAATAAGAACAATGAAAGTTGTATTAAAAGAAAAATACCAG[C>G]TGTTCTCTGTTGAGCCTGCTTCTGCGTGGACCTTCAGGAATTTCATACTTTTCTTCCTGT-3'
Protein context (NP_000456.2, residues 656-676): GPRRSRLNRE[Gln666His]LLPKLFDGCY

ClinVar aggregate classification (germline): Uncertain significance. Review status: criteria provided, multiple submitters, no conflicts (2 of 4 stars). 2 submissions from 2 submitters: Uncertain significance (2). Last evaluated 2022-01-02.

Conditions:
Familial cancer of breast. Also called: Hereditary breast cancer; hereditary breast carcinoma; BREAST CANCER, FAMILIAL. Identifiers: Orphanet 227535, MedGen C0346153, MONDO:0016419, OMIM 114480. Disease mechanism: loss of function.

Submissions (2):

Labcorp Genetics (formerly Invitae), Labcorp
Classification: Uncertain significance for Familial cancer of breast. Last evaluated: 2022-01-02. Review status: criteria provided, single submitter. Criteria: Invitae Variant Classification Sherloc (09022015). Collection method: clinical testing. Allele origin: germline.
Comment: ClinVar contains an entry for this variant (Variation ID: 1317362). In summary, the available evidence is currently insufficient to determine the role of this variant in disease. Therefore, it has been classified as a Variant of Uncertain Significance. Algorithms developed to predict the effect of missense changes on protein structure and function are either unavailable or do not agree on the potential impact of this missense change (SIFT: "Deleterious"; PolyPhen-2: "Benign"; Align-GVGD: "Class C0"). This variant has not been reported in the literature in individuals affected with BARD1-related conditions. This variant is not present in population databases (gnomAD no frequency). This sequence change replaces glutamine, which is neutral and polar, with histidine, which is basic and polar, at codon 666 of the BARD1 protein (p.Gln666His).

GeneDx
Classification: Uncertain significance. Last evaluated: 2020-09-22. Review status: criteria provided, single submitter. Criteria: GeneDx Variant Classification Process June 2021. Collection method: clinical testing. Allele origin: germline. Affected: yes.
Comment: Not observed in large population cohorts (Lek 2016); In silico analysis supports that this missense variant has a deleterious effect on protein structure/function; Has not been previously published as pathogenic or benign to our knowledge